The following is an entry in ClinVar:

NM_003239.5(TGFB3):c.516+4A>T

Gene: TGFB3 (transforming growth factor beta 3; minus strand). Cytogenetic location: 14q24.3.
Variant type: single nucleotide variant.
Coding change: c.516+4A>T on transcript NM_003239.5 (MANE Select); 4 bases into the intron after coding-DNA position 516, A replaced by T.
Molecular consequence: intron variant.
Genome position (GRCh38, 1-based): chr14:75,971,551, T>A on the plus strand (A>T on the coding strand, the complement: TGFB3 is on the minus strand). VCF-style: chr14-75971551-T-A. GRCh37 (hg19) VCF-style: chr14-76437894-T-A.
Other names: c.516+4A>T (NM_001329939.2, NM_001329938.2).
Identifiers: ClinVar variation 477638 (VCV000477638.10), dbSNP rs1252391096, ClinGen allele CA487191402.
Genomic context (GRCh38, chr14:75,971,551, plus strand): 5'-CCCTGATATGGCAAAGGAACCAGCTTTCCCGTCGGTGTGGTTTCTGCTCTGAGAGAGGAG[T>A]TACCTGGAAGAGCTCGATCCTCTGCTCATTCCGCTTAGAGCTGGGGTTGGGCACCCGCAA-3'

ClinVar aggregate classification (germline): Uncertain significance (1 of 4 stars; one submission).

Conditions:
Rienhoff syndrome. Also called: LOEYS-DIETZ SYNDROME 5. Identifiers: MedGen C3810012, MONDO:0014262, OMIM 615582.

Allele frequency attached by ClinVar (database versions not stated): gnomAD exomes below 0.00001; TOPMed below 0.00001.
gnomAD v4.1: 3 of 1,613,832 alleles (0.00019%); highest among the groups gnomAD compares: Admixed American, 0.005%; no homozygotes.

Submission:

Labcorp Genetics (formerly Invitae), Labcorp
Classification: Uncertain significance for Rienhoff syndrome. Last evaluated: 2025-02-17. Review status: criteria provided, single submitter. Criteria: Invitae Variant Classification Sherloc (09022015). Collection method: clinical testing. Allele origin: germline.
Comment: This sequence change falls in intron 2 of the TGFB3 gene. It does not directly change the encoded amino acid sequence of the TGFB3 protein. It affects a nucleotide within the consensus splice site. This variant is not present in population databases (gnomAD no frequency). This variant has not been reported in the literature in individuals affected with TGFB3-related conditions. ClinVar contains an entry for this variant (Variation ID: 477638). Variants that disrupt the consensus splice site are a relatively common cause of aberrant splicing (PMID: 17576681, 9536098). Algorithms developed to predict the effect of sequence changes on RNA splicing suggest that this variant is not likely to affect RNA splicing. In summary, the available evidence is currently insufficient to determine the role of this variant in disease. Therefore, it has been classified as a Variant of Uncertain Significance.

Literature cited by the submitters: PubMed 17576681; PubMed 9536098.